The following is an entry in ClinVar:

NM_003803.4(MYOM1):c.2788G>A (p.Asp930Asn)

Gene: MYOM1 (myomesin 1; minus strand). Cytogenetic location: 18p11.31.
Variant type: single nucleotide variant.
Coding change: c.2788G>A on transcript NM_003803.4 (MANE Select); coding-DNA position 2788, G replaced by A.
Protein change: p.Asp930Asn; replaces aspartic acid 930 with asparagine.
Molecular consequence: missense variant. On other transcripts: intron variant (1).
Genome position (GRCh38, 1-based): chr18:3,129,238, C>T on the plus strand (G>A on the coding strand, the complement: MYOM1 is on the minus strand). VCF-style: chr18-3129238-C-T. GRCh37 (hg19) VCF-style: chr18-3129236-C-T.
Other names: c.2506+2137G>A (NM_019856.2); c.2788G>A (NM_003803.3); short protein forms D930N.
Identifiers: ClinVar variation 1039309 (VCV001039309.11), dbSNP rs1188848520, ClinGen allele CA401709470.

ClinVar aggregate classification (germline): Uncertain significance. Review status: criteria provided, multiple submitters, no conflicts (2 of 4 stars). 2 submissions from 2 submitters: Uncertain significance (2). Last evaluated 2025-06-18.

Conditions:
Hypertrophic cardiomyopathy. Also called: HYPERTROPHIC MYOCARDIOPATHY. Identifiers: Orphanet 217569, MedGen C0007194, MeSH D002312, MONDO:0005045, HP:0001639.

Allele frequency attached by ClinVar (database versions not stated): gnomAD exomes 0.00001 and 0.00003.
gnomAD v4.1: 41 of 1,613,206 alleles (0.0025%); highest among the groups gnomAD compares: Non-Finnish European, 0.0032%; no homozygotes.

Submissions (2):

Labcorp Genetics (formerly Invitae), Labcorp
Classification: Uncertain significance for Hypertrophic cardiomyopathy. Last evaluated: 2025-06-18. Review status: criteria provided, single submitter. Criteria: Invitae Variant Classification Sherloc (09022015). Collection method: clinical testing. Allele origin: germline.
Comment: This sequence change replaces aspartic acid, which is acidic and polar, with asparagine, which is neutral and polar, at codon 930 of the MYOM1 protein (p.Asp930Asn). This variant is present in population databases (no rsID available, gnomAD 0.003%). This variant has not been reported in the literature in individuals affected with MYOM1-related conditions. ClinVar contains an entry for this variant (Variation ID: 1039309). An algorithm developed to predict the effect of missense changes on protein structure and function outputs the following: PolyPhen-2: "Benign". The asparagine amino acid residue is found in multiple mammalian species, which suggests that this missense change does not adversely affect protein function. In summary, the available evidence is currently insufficient to determine the role of this variant in disease. Therefore, it has been classified as a Variant of Uncertain Significance.

Ambry Genetics
Classification: Uncertain significance. Last evaluated: 2025-02-01. Review status: criteria provided, single submitter. Criteria: Ambry Variant Classification Scheme 2023. Collection method: clinical testing. Allele origin: germline.
Comment: The p.D930N variant (also known as c.2788G>A), located in coding exon 17 of the MYOM1 gene, results from a G to A substitution at nucleotide position 2788. The aspartic acid at codon 930 is replaced by asparagine, an amino acid with highly similar properties. This amino acid position is conserved. In addition, this alteration is predicted to be tolerated by in silico analysis. Since supporting evidence is limited at this time, the clinical significance of this alteration remains unclear.